The following is an entry in ClinVar:

ClinVar aggregate classification (germline): Benign/Likely benign. Review status: criteria provided, multiple submitters, no conflicts (2 of 4 stars). 4 submissions from 4 submitters: Benign (1); Likely benign (2). 1 of the submissions does not count toward it. Last evaluated 2026-09-01.

Conditions:
MTHFS-related disorder. Also called: MTHFS-related condition.

Allele frequency attached by ClinVar (database versions not stated): 1000 Genomes Project 0.00160; 1000 Genomes Project 30x 0.00172; ESP Exome Variant Server 0.00238; TOPMed 0.00292; gnomAD exomes 0.00305 and 0.00467; gnomAD 0.00306 and 0.00312; ExAC 0.00404.
gnomAD v4.1: 6,926 of 1,540,104 alleles (0.45%); highest among the groups gnomAD compares: Non-Finnish European, 0.53%; 21 homozygotes.

Submissions (4):

CeGaT Center for Human Genetics Tuebingen
Classification: Likely benign. Last evaluated: 2026-09-01. Review status: criteria provided, single submitter. Criteria: CeGaT Center For Human Genetics Tuebingen Variant Classification Criteria Version 2. Collection method: clinical testing. Allele origin: germline. Affected: yes. Observed: 6 variant alleles.
Comment: MTHFS: BP4, BP7, BS2

Labcorp Genetics (formerly Invitae), Labcorp
Classification: Benign. Last evaluated: 2025-12-27. Review status: criteria provided, single submitter. Criteria: Invitae Variant Classification Sherloc (09022015). Collection method: clinical testing. Allele origin: germline.

Breakthrough Genomics
Classification: Likely benign. Review status: criteria provided, single submitter. Criteria: ACMG Guidelines, 2015. Collection method: not provided. Allele origin: germline. Inheritance: Autosomal recessive inheritance. Affected: yes.

PreventionGenetics, part of Exact Sciences
Classification: Benign for MTHFS-related condition. Last evaluated: 2019-08-12. Review status: no assertion criteria provided. Collection method: clinical testing. Allele origin: germline. Not counted in ClinVar's aggregate classification.
Comment: This variant is classified as benign based on ACMG/AMP sequence variant interpretation guidelines (Richards et al. 2015 PMID: 25741868, with internal and published modifications).

NM_006441.4(MTHFS):c.54G>A (p.Lys18=)

Genes: MTHFS (methenyltetrahydrofolate synthetase; minus strand), ST20-MTHFS (ST20-MTHFS readthrough; minus strand). Cytogenetic location: 15q25.1.
Variant type: single nucleotide variant.
Coding change: c.54G>A on transcript NM_006441.4 (MANE Select); coding-DNA position 54, G replaced by A.
Protein change: p.Lys18=; no amino-acid change (lysine 18 retained).
Molecular consequence: synonymous variant. On other transcripts: non-coding transcript variant (1), intron variant (2).
Genome position (GRCh38, 1-based): chr15:79,896,935, C>T on the plus strand (G>A on the coding strand, the complement: MTHFS is on the minus strand). VCF-style: chr15-79896935-C-T. GRCh37 (hg19) VCF-style: chr15-80189277-C-T.
Other names: c.46-7581G>A (NM_001199760.2); c.-55+226G>A (NM_001199758.1).
Identifiers: ClinVar variation 1298631 (VCV001298631.41), dbSNP rs375170671, ClinGen allele CA7690384.